The following is an entry in ClinVar:

ClinVar aggregate classification (germline): Uncertain significance (1 of 4 stars; one submission).

gnomAD v4.1: 1 of 1,613,306 alleles (0.000062%); highest among the groups gnomAD compares: Middle Eastern, 0.016%; no homozygotes.

Submission:

Labcorp Genetics (formerly Invitae), Labcorp
Classification: Uncertain significance. Last evaluated: 2023-04-07. Review status: criteria provided, single submitter. Criteria: Invitae Variant Classification Sherloc (09022015). Collection method: clinical testing. Allele origin: germline.
Comment: This variant has not been reported in the literature in individuals affected with ADGRE2-related conditions. Variants that disrupt the consensus splice site are a relatively common cause of aberrant splicing (PMID: 17576681, 9536098). Algorithms developed to predict the effect of sequence changes on RNA splicing suggest that this variant may disrupt the consensus splice site. In summary, the available evidence is currently insufficient to determine the role of this variant in disease. Therefore, it has been classified as a Variant of Uncertain Significance. This sequence change affects codon 821 of the ADGRE2 mRNA. It is a 'silent' change, meaning that it does not change the encoded amino acid sequence of the ADGRE2 protein. This variant also falls at the last nucleotide of exon 20, which is part of the consensus splice site for this exon. This variant is not present in population databases (gnomAD no frequency).

Literature cited by the submitters: PubMed 17576681; PubMed 9536098.

NM_013447.4(ADGRE2):c.2463G>T (p.Thr821=)

Gene: ADGRE2 (adhesion G protein-coupled receptor E2; minus strand). Cytogenetic location: 19p13.12.
Variant type: single nucleotide variant.
Coding change: c.2463G>T on transcript NM_013447.4 (MANE Select); coding-DNA position 2463, G replaced by T.
Protein change: p.Thr821=; no amino-acid change (threonine 821 retained).
Molecular consequence: synonymous variant.
Genome position (GRCh38, 1-based): chr19:14,743,420, C>A on the plus strand (G>T on the coding strand, the complement: ADGRE2 is on the minus strand). VCF-style: chr19-14743420-C-A. GRCh37 (hg19) VCF-style: chr19-14854232-C-A.
Other names: c.2289G>T, p.Thr763= (NM_001271052.1); c.2316G>T, p.Thr772= (NM_152916.2); c.2184G>T, p.Thr728= (NM_152917.2).
Identifiers: ClinVar variation 2905783 (VCV002905783.3), dbSNP rs202101555, ClinGen allele CA305691325.